The following is an entry in ClinVar:

NM_004260.4(RECQL4):c.1120del (p.Leu374fs)

Gene: RECQL4 (RecQ like helicase 4; minus strand). Cytogenetic location: 8q24.3.
Variant type: Deletion.
Coding change: c.1120del on transcript NM_004260.4 (MANE Select); coding-DNA position 1120, one base deleted (C; older notation c.1120delC).
Protein change: p.Leu374fs; shifts the reading frame from leucine 374.
Molecular consequence: frameshift variant. On other transcripts: 5 prime UTR variant (6), non-coding transcript variant (3).
Genome position (GRCh38, 1-based): chr8:144,515,999, G deleted on the plus strand (C on the coding strand, the reverse complement: RECQL4 is on the minus strand); the first of 2 consecutive G bases (chr8:144,515,999-144,516,000); deleting either gives the same sequence. VCF-style (leftmost placement, unchanged base first): chr8-144515998-AG-A. GRCh37 (hg19) VCF-style: chr8-145741382-AG-A.
Other names: c.1024del, p.Leu342fs (NM_001413017.1, NM_001413020.1); c.1120del, p.Leu374fs (NM_001413018.1, NM_001413019.1, NM_001413033.1 and 2 more transcripts); c.49del, p.Leu17fs (NM_001413021.1, NM_001413022.1, NM_001413023.1 and 8 more transcripts); c.991del, p.Leu331fs (NM_001413025.1); c.-14del (NM_001413027.1, NM_001413030.1, NM_001413031.1 and 2 more transcripts); c.769del, p.Leu257fs (NM_001413029.1); c.-221del (NM_001413043.1); short protein forms L342fs, L17fs, L374fs, L257fs, L331fs.
Identifiers: ClinVar variation 4730530 (VCV004730530.1).

ClinVar aggregate classification (germline): Pathogenic (1 of 4 stars; one submission).

Conditions:
Baller-Gerold syndrome (BGS). Also called: CRANIOSYNOSTOSIS WITH RADIAL DEFECTS. Identifiers: Orphanet 1225, MedGen C0265308, MONDO:0009039, OMIM 218600.

Submission:

Labcorp Genetics (formerly Invitae), Labcorp
Classification: Pathogenic for Baller-Gerold syndrome. Last evaluated: 2025-11-05. Review status: criteria provided, single submitter. Criteria: Invitae Variant Classification Sherloc (09022015). Collection method: clinical testing. Allele origin: germline.
Comment: This sequence change creates a premature translational stop signal (p.Leu374Serfs*32) in the RECQL4 gene. It is expected to result in an absent or disrupted protein product. Loss-of-function variants in RECQL4 are known to be pathogenic (PMID: 12734318, 12952869). This variant is not present in population databases (gnomAD no frequency). This variant has not been reported in the literature in individuals affected with RECQL4-related conditions. For these reasons, this variant has been classified as Pathogenic.

Literature cited by the submitters: PubMed 12734318; PubMed 12952869.